The following is an entry in ClinVar:

ClinVar aggregate classification (germline): Uncertain significance. Review status: criteria provided, multiple submitters, no conflicts (2 of 4 stars). 3 submissions from 3 submitters: Uncertain significance (3). Last evaluated 2024-06-05.

Conditions:
Marfan syndrome (MFS). Also called: Marfan syndrome, classic; MARFAN SYNDROME, TYPE I; Marfan syndrome type 1; Marfan's syndrome; FBN1-Related Marfan Syndrome. Identifiers: Orphanet 284963, Orphanet 558, MedGen C0024796, MONDO:0007947, OMIM 154700.
Familial thoracic aortic aneurysm and aortic dissection (TAAD). Also called: Thoracic aortic aneurysms and dissections. Identifiers: Orphanet 91387, MedGen C4707243, MONDO:0019625.

Allele frequency attached by ClinVar (database versions not stated): gnomAD exomes below 0.00001; ExAC 0.00001; gnomAD 0.00001; 1000 Genomes Project 30x 0.00016; 1000 Genomes Project 0.00020.
gnomAD v4.1: 5 of 1,613,706 alleles (0.00031%); highest among the groups gnomAD compares: Admixed American, 0.0033%; no homozygotes.

Submissions (3):

Labcorp Genetics (formerly Invitae), Labcorp
Classification: Uncertain significance for Marfan syndrome; Familial thoracic aortic aneurysm and aortic dissection. Last evaluated: 2024-06-05. Review status: criteria provided, single submitter. Criteria: Invitae Variant Classification Sherloc (09022015). Collection method: clinical testing. Allele origin: germline.
Comment: This sequence change replaces arginine, which is basic and polar, with glutamine, which is neutral and polar, at codon 2057 of the FBN1 protein (p.Arg2057Gln). This variant is present in population databases (rs181032147, gnomAD 0.003%). This missense change has been observed in individual(s) with FBN1-related conditions (PMID: 10464652). ClinVar contains an entry for this variant (Variation ID: 1691560). Advanced modeling of protein sequence and biophysical properties (such as structural, functional, and spatial information, amino acid conservation, physicochemical variation, residue mobility, and thermodynamic stability) has been performed at Invitae for this missense variant, however the output from this modeling did not meet the statistical confidence thresholds required to predict the impact of this variant on FBN1 protein function. In summary, the available evidence is currently insufficient to determine the role of this variant in disease. Therefore, it has been classified as a Variant of Uncertain Significance.

GeneDx
Classification: Uncertain significance. Last evaluated: 2023-12-11. Review status: criteria provided, single submitter. Criteria: GeneDx Variant Classification Process June 2021. Collection method: clinical testing. Allele origin: germline. Affected: yes.
Comment: Reported in a patient with Marfan syndrome or features of Marfan syndrome in published literature; however, specific clinical details were not provided (PMID: 10464652); Not observed at significant frequency in large population cohorts (gnomAD); Does not affect a cysteine residue within a calcium-binding EGF-like domain or a TGF-binding protein domain of the FBN1 gene; cysteine substitutions in the calcium-binding EGF-like domains represent the majority of pathogenic missense changes associated with FBN1-related disorders (PMID: 12938084); In silico analysis supports that this missense variant has a deleterious effect on protein structure/function; This variant is associated with the following publications: (PMID: 26332594, 12938084, 10464652)

Centre of Medical Genetics, University Hospital Muenster
Classification: Uncertain significance. Last evaluated: 2022-05-02. Review status: criteria provided, single submitter. Criteria: ACMG Guidelines, 2015. Collection method: clinical testing. Allele origin: unknown. Affected: yes. Observed: 1 variant allele, 1 heterozygote.
Comment: ACMG categories: PS4,BP1

Literature cited by the submitters: PubMed 10464652 (cited by Labcorp Genetics (formerly Invitae), Labcorp).

NM_000138.5(FBN1):c.6170G>A (p.Arg2057Gln)

Gene: FBN1 (fibrillin 1; minus strand). Cytogenetic location: 15q21.1.
Variant type: single nucleotide variant.
Coding change: c.6170G>A on transcript NM_000138.5 (MANE Select); coding-DNA position 6170, G replaced by A.
Protein change: p.Arg2057Gln; replaces arginine 2057 with glutamine.
Molecular consequence: missense variant.
Genome position (GRCh38, 1-based): chr15:48,437,911, C>T on the plus strand (G>A on the coding strand, the complement: FBN1 is on the minus strand). VCF-style: chr15-48437911-C-T. GRCh37 (hg19) VCF-style: chr15-48730108-C-T.
Other names: c.6170G>A (NM_000138.4); short protein forms R2057Q.
Identifiers: ClinVar variation 1691560 (VCV001691560.8), dbSNP rs181032147, ClinGen allele CA056415.